The following is an entry in ClinVar:

NM_001211.6(BUB1B):c.2203C>A (p.Pro735Thr)

Gene: BUB1B (BUB1 mitotic checkpoint serine/threonine kinase B; plus strand). Cytogenetic location: 15q15.1.
Variant type: single nucleotide variant.
Coding change: c.2203C>A on transcript NM_001211.6 (MANE Select); coding-DNA position 2203, C replaced by A.
Protein change: p.Pro735Thr; replaces proline 735 with threonine.
Molecular consequence: missense variant.
Genome position (GRCh38, 1-based): chr15:40,209,694, C>A. VCF-style: chr15-40209694-C-A. GRCh37 (hg19) VCF-style: chr15-40501895-C-A.
Other names: short protein forms P735T.
Identifiers: ClinVar variation 3993680 (VCV003993680.1).

ClinVar aggregate classification (germline): Uncertain significance (1 of 4 stars; one submission).

Conditions:
Inborn genetic diseases. Identifiers: MedGen C0950123, MeSH D030342.

gnomAD v4.1: 1 of 1,614,076 alleles (0.000062%); highest among the groups gnomAD compares: Non-Finnish European, 0.000085%; no homozygotes.

Submission:

Ambry Genetics
Classification: Uncertain significance for Inborn genetic diseases. Last evaluated: 2025-03-17. Review status: criteria provided, single submitter. Criteria: Ambry Variant Classification Scheme 2023. Collection method: clinical testing. Allele origin: germline.
Comment: The p.P735T variant (also known as c.2203C>A), located in coding exon 17 of the BUB1B gene, results from a C to A substitution at nucleotide position 2203. The proline at codon 735 is replaced by threonine, an amino acid with highly similar properties. This amino acid position is conserved. In addition, this alteration is predicted to be tolerated by in silico analysis. Based on the available evidence, the clinical significance of this variant remains unclear.